The following is an entry in ClinVar:

ClinVar aggregate classification (germline): Conflicting classifications of pathogenicity. Review status: criteria provided, conflicting classifications (1 of 4 stars). 2 submissions from 2 submitters: Uncertain significance (1); Likely benign (1). Last evaluated 2026-01-12.

Conditions:
Noonan syndrome 9 (NS9). Identifiers: Orphanet 648, MedGen C4225282, MONDO:0014691, OMIM 616559.
Cardiovascular phenotype. Identifiers: MedGen CN230736.

Allele frequency attached by ClinVar (database versions not stated): gnomAD exomes 0.00005; ExAC 0.00006.
gnomAD v4.1: 46 of 1,613,826 alleles (0.0029%); highest among the groups gnomAD compares: South Asian, 0.041%; no homozygotes.

Submissions (2):

Ambry Genetics
Classification: Uncertain significance for Cardiovascular phenotype. Last evaluated: 2026-01-12. Review status: criteria provided, single submitter. Criteria: Ambry Variant Classification Scheme 2023. Collection method: clinical testing. Allele origin: germline.
Comment: The p.T1215S variant (also known as c.3644C>G), located in coding exon 23 of the SOS2 gene, results from a C to G substitution at nucleotide position 3644. The threonine at codon 1215 is replaced by serine, an amino acid with similar properties. This amino acid position is conserved. In addition, the in silico prediction for this alteration is inconclusive. Based on the available evidence, the clinical significance of this variant remains unclear.

Labcorp Genetics (formerly Invitae), Labcorp
Classification: Likely benign for Noonan syndrome 9. Last evaluated: 2025-09-28. Review status: criteria provided, single submitter. Criteria: Invitae Variant Classification Sherloc (09022015). Collection method: clinical testing. Allele origin: germline.

NM_006939.4(SOS2):c.3644C>G (p.Thr1215Ser)

Gene: SOS2 (SOS Ras/Rho guanine nucleotide exchange factor 2; minus strand). Cytogenetic location: 14q21.3.
Variant type: single nucleotide variant.
Coding change: c.3644C>G on transcript NM_006939.4 (MANE Select); coding-DNA position 3644, C replaced by G.
Protein change: p.Thr1215Ser; replaces threonine 1215 with serine.
Molecular consequence: missense variant.
Genome position (GRCh38, 1-based): chr14:50,118,699, G>C on the plus strand (C>G on the coding strand, the complement: SOS2 is on the minus strand). VCF-style: chr14-50118699-G-C. GRCh37 (hg19) VCF-style: chr14-50585417-G-C.
Other names: c.3644C>G (NM_006939.2); short protein forms T1215S.
Identifiers: ClinVar variation 1044427 (VCV001044427.10), dbSNP rs773877975, ClinGen allele CA7176733.